The following is an entry in ClinVar:

ClinVar aggregate classification (germline): Uncertain significance (1 of 4 stars; one submission).

Submission:

Labcorp Genetics (formerly Invitae), Labcorp
Classification: Uncertain significance. Last evaluated: 2024-02-23. Review status: criteria provided, single submitter. Criteria: Invitae Variant Classification Sherloc (09022015). Collection method: clinical testing. Allele origin: germline.
Comment: This sequence change replaces alanine, which is neutral and non-polar, with threonine, which is neutral and polar, at codon 388 of the WDR11 protein (p.Ala388Thr). This variant is not present in population databases (gnomAD no frequency). This variant has not been reported in the literature in individuals affected with WDR11-related conditions. Algorithms developed to predict the effect of missense changes on protein structure and function output the following: SIFT: "Not Available"; PolyPhen-2: "Benign"; Align-GVGD: "Not Available". The threonine amino acid residue is found in multiple mammalian species, which suggests that this missense change does not adversely affect protein function. In summary, the available evidence is currently insufficient to determine the role of this variant in disease. Therefore, it has been classified as a Variant of Uncertain Significance.

NM_018117.12(WDR11):c.1162G>A (p.Ala388Thr)

Gene: WDR11 (WD repeat domain 11; plus strand). Cytogenetic location: 10q26.12.
Variant type: single nucleotide variant.
Coding change: c.1162G>A on transcript NM_018117.12 (MANE Select); coding-DNA position 1162, G replaced by A.
Protein change: p.Ala388Thr; replaces alanine 388 with threonine.
Molecular consequence: missense variant.
Genome position (GRCh38, 1-based): chr10:120,866,736, G>A. VCF-style: chr10-120866736-G-A. GRCh37 (hg19) VCF-style: chr10-122626248-G-A.
Other names: short protein forms A388T.
Identifiers: ClinVar variation 3642801 (VCV003642801.2).